The following is an entry in ClinVar:

NM_022436.3(ABCG5):c.1853C>T (p.Ser618Phe)

Genes: ABCG5 (ATP binding cassette subfamily G member 5; minus strand), DYNC2LI1 (dynein cytoplasmic 2 light intermediate chain 1; plus strand). Cytogenetic location: 2p21.
Variant type: single nucleotide variant.
Coding change: c.1853C>T on transcript NM_022436.3 (MANE Select); coding-DNA position 1853, C replaced by T.
Protein change: p.Ser618Phe; replaces serine 618 with phenylalanine.
Molecular consequence: missense variant. On other transcripts: intron variant (2).
Genome position (GRCh38, 1-based): chr2:43,813,219, G>A on the plus strand (C>T on the coding strand, the complement: ABCG5 is on the minus strand). VCF-style: chr2-43813219-G-A. GRCh37 (hg19) VCF-style: chr2-44040358-G-A.
Other names: c.*15+2695G>A (NM_001348913.2, NM_001348912.2); short protein forms S618F.
Identifiers: ClinVar variation 3311017 (VCV003311017.1).

ClinVar aggregate classification (germline): Uncertain significance (1 of 4 stars; one submission).

Conditions:
Cardiovascular phenotype. Identifiers: MedGen CN230736.

gnomAD v4.1: 3 of 1,611,938 alleles (0.00019%); highest among the groups gnomAD compares: Non-Finnish European, 0.00025%; no homozygotes.

Submission:

Ambry Genetics
Classification: Uncertain significance for Cardiovascular phenotype. Last evaluated: 2024-06-07. Review status: criteria provided, single submitter. Criteria: Ambry Variant Classification Scheme 2023. Collection method: clinical testing. Allele origin: germline.
Comment: The p.S618F variant (also known as c.1853C>T), located in coding exon 13 of the ABCG5 gene, results from a C to T substitution at nucleotide position 1853. The serine at codon 618 is replaced by phenylalanine, an amino acid with highly dissimilar properties. This amino acid position is conserved. In addition, this alteration is predicted to be deleterious by in silico analysis. Based on the available evidence, the clinical significance of this variant remains unclear.